The following is an entry in ClinVar:

NM_001033046.4(CYBC1):c.498T>C (p.Leu166=)

Gene: CYBC1 (cytochrome b-245 chaperone 1; minus strand). Cytogenetic location: 17q25.3.
Variant type: single nucleotide variant.
Coding change: c.498T>C on transcript NM_001033046.4 (MANE Select); coding-DNA position 498, T replaced by C.
Protein change: p.Leu166=; no amino-acid change (leucine 166 retained).
Molecular consequence: synonymous variant. On other transcripts: non-coding transcript variant (4).
Genome position (GRCh38, 1-based): chr17:82,444,070, A>G on the plus strand (T>C on the coding strand, the complement: CYBC1 is on the minus strand). VCF-style: chr17-82444070-A-G. GRCh37 (hg19) VCF-style: chr17-80401946-A-G.
Other names: p.Leu166=; c.498T>C, p.Leu166= (NM_001100407.3, NM_001193653.2, NM_001193654.2 and 2 more transcripts); c.456T>C, p.Leu152= (NM_001100408.3).
Identifiers: ClinVar variation 1167726 (VCV001167726.16), dbSNP rs2306758, ClinGen allele CA8858160.

ClinVar aggregate classification (germline): Benign/Likely benign. Review status: criteria provided, multiple submitters, no conflicts (2 of 4 stars). 6 submissions from 6 submitters: Benign (5); Likely benign (1). Last evaluated 2026-02-04.

Allele frequency attached by ClinVar (database versions not stated): ESP Exome Variant Server 0.07819; TOPMed 0.11459; ExAC 0.14996; 1000 Genomes Project 30x 0.18082; 1000 Genomes Project 0.18331.
gnomAD v4.1: 190,953 of 1,613,314 alleles (12%); highest among the groups gnomAD compares: East Asian, 29%; 14,123 homozygotes.

Submissions (6):

Labcorp Genetics (formerly Invitae), Labcorp
Classification: Benign. Last evaluated: 2026-02-04. Review status: criteria provided, single submitter. Criteria: Invitae Variant Classification Sherloc (09022015). Collection method: clinical testing. Allele origin: germline.

Blueprint Genetics
Classification: Likely benign. Last evaluated: 2024-11-28. Review status: criteria provided, single submitter. Criteria: ACMG Guidelines, 2015. Collection method: clinical testing. Allele origin: germline.

Unidad de Genómica Garrahan, Hospital de Pediatría Garrahan
Classification: Benign. Last evaluated: 2024-01-24. Review status: criteria provided, single submitter. Criteria: ACMG Guidelines, 2015. Collection method: clinical testing. Allele origin: germline. Affected: no. Observed: 42 variant alleles.
Comment: This variant is classified as Benign based on local population frequency. This variant was detected in 44% of patients studied by a panel of primary immunodeficiencies. Number of patients: 42. Only high quality variants are reported.

Mayo Clinic Laboratories, Mayo Clinic
Classification: Benign. Last evaluated: 2022-09-06. Review status: criteria provided, single submitter. Criteria: ACMG Guidelines, 2015. Collection method: clinical testing. Allele origin: germline. Observed: 21 variant alleles.

GeneDx
Classification: Benign. Last evaluated: 2021-05-04. Review status: criteria provided, single submitter. Criteria: GeneDx Variant Classification Process June 2021. Collection method: clinical testing. Allele origin: germline. Affected: yes.

Breakthrough Genomics
Classification: Benign. Review status: criteria provided, single submitter. Criteria: ACMG Guidelines, 2015. Collection method: not provided. Allele origin: germline. Inheritance: Autosomal recessive inheritance. Affected: yes.